The following is an entry in ClinVar:

ClinVar aggregate classification (germline): Likely benign. Review status: criteria provided, multiple submitters, no conflicts (2 of 4 stars). 6 submissions from 6 submitters: Likely benign (6). Last evaluated 2025-05-05.

Conditions:
Familial isolated arrhythmogenic right ventricular dysplasia. Identifiers: Orphanet 217656, MedGen C4274968, MONDO:0016342.
Cardiovascular phenotype. Identifiers: MedGen CN230736.
Cardiomyopathy (CMYO). Also called: Cardiomyopathies. Identifiers: Orphanet 167848, MedGen C0878544, MONDO:0004994, HP:0001638. Inheritance: Various modes of inheritance.
Arrhythmogenic right ventricular dysplasia 11. Also called: Arrhythmogenic right ventricular dysplasia 11 with mild palmoplantar keratoderma and woolly hair; Arrhythmogenic Right Ventricular Dysplasia/Cardiomyopathy11; ARRHYTHMOGENIC RIGHT VENTRICULAR DYSPLASIA, FAMILIAL, 11. Identifiers: MedGen C1864850, MONDO:0012506, OMIM 610476.

Allele frequency attached by ClinVar (database versions not stated): gnomAD exomes below 0.00001 and 0.00002; ExAC 0.00004; gnomAD 0.00005 and 0.00006; ESP Exome Variant Server 0.00023; TOPMed 0.00006.
gnomAD v4.1: 14 of 1,613,874 alleles (0.00087%); highest among the groups gnomAD compares: African/African-American, 0.017%; no homozygotes.

Submissions (6):

Labcorp Genetics (formerly Invitae), Labcorp
Classification: Likely benign for Arrhythmogenic right ventricular dysplasia 11. Last evaluated: 2025-05-05. Review status: criteria provided, single submitter. Criteria: Invitae Variant Classification Sherloc (09022015). Collection method: clinical testing. Allele origin: germline.

All of Us Research Program, National Institutes of Health
Classification: Likely benign for Familial isolated arrhythmogenic right ventricular dysplasia. Last evaluated: 2024-06-09. Review status: criteria provided, single submitter. Criteria: ACMG Guidelines, 2015. Collection method: clinical testing. Allele origin: germline. Inheritance: Autosomal dominant inheritance. Observed: 2 variant alleles, 2 heterozygotes.
Comment: This study involves interpretation of variants in research participants for the purpose of population health screening. Participant phenotype was not available at the time of variant classification. Additional details can be found in publication PMID: 35346344, PMCID: PMC8962531

GeneDx
Classification: Likely benign. Last evaluated: 2021-02-25. Review status: criteria provided, single submitter. Criteria: GeneDx Variant Classification Process June 2021. Collection method: clinical testing. Allele origin: germline. Affected: yes.

Ambry Genetics
Classification: Likely benign for Cardiovascular phenotype. Last evaluated: 2020-07-16. Review status: criteria provided, single submitter. Criteria: Ambry Variant Classification Scheme 2023. Collection method: clinical testing. Allele origin: germline.

Women's Health and Genetics/Laboratory Corporation of America, LabCorp
Classification: Likely benign. Last evaluated: 2019-08-28. Review status: criteria provided, single submitter. Criteria: LabCorp Variant Classification Summary - May 2015. Collection method: clinical testing. Allele origin: germline.

Color Diagnostics, LLC DBA Color Health
Classification: Likely benign for Cardiomyopathy. Last evaluated: 2018-12-31. Review status: criteria provided, single submitter. Criteria: ACMG Guidelines, 2015. Collection method: clinical testing. Allele origin: germline.

NM_024422.6(DSC2):c.1638T>C (p.Asn546=)

Gene: DSC2 (desmocollin 2; minus strand). Cytogenetic location: 18q12.1.
Variant type: single nucleotide variant.
Coding change: c.1638T>C on transcript NM_024422.6 (MANE Select); coding-DNA position 1638, T replaced by C.
Protein change: p.Asn546=; no amino-acid change (asparagine 546 retained).
Molecular consequence: synonymous variant.
Genome position (GRCh38, 1-based): chr18:31,079,872, A>G on the plus strand (T>C on the coding strand, the complement: DSC2 is on the minus strand). VCF-style: chr18-31079872-A-G. GRCh37 (hg19) VCF-style: chr18-28659838-A-G.
Other names: c.1638T>C, p.Asn546= (NM_004949.5).
Identifiers: ClinVar variation 536278 (VCV000536278.22), dbSNP rs145987522, ClinGen allele CA032446.
Genomic context (GRCh38, chr18:31,079,872, plus strand): 5'-GGAAGTATGTAGCTGGCTTAAAGACAAATTCTTACCTTGGTCTGATGCAAGGACTGTAAT[A>G]TTATATATGCCATTTTTGATGGTCTCTGCCTCTCTATCCAGGCTTCTGAAAACTTTGATT-3'
Protein context (NP_077740.1, residues 536-556): EAETIKNGIY[Asn546=]ITVLASDQGG